The following is an entry in ClinVar:

ClinVar aggregate classification (germline): Uncertain significance (1 of 4 stars; one submission).

Conditions:
Joubert syndrome. Also called: Familial aplasia of the vermis; CEREBELLOPARENCHYMAL DISORDER IV; JOUBERT-BOLTSHAUSER SYNDROME. Identifiers: Orphanet 475, MedGen C5979921, MONDO:0018772.

Allele frequency attached by ClinVar (database versions not stated): gnomAD exomes below 0.00001; gnomAD 0.00001.
gnomAD v4.1: 2 of 1,457,528 alleles (0.00014%); highest among the groups gnomAD compares: Non-Finnish European, 0.00018%; no homozygotes.

Submission:

Labcorp Genetics (formerly Invitae), Labcorp
Classification: Uncertain significance for Joubert syndrome. Last evaluated: 2023-11-27. Review status: criteria provided, single submitter. Criteria: Invitae Variant Classification Sherloc (09022015). Collection method: clinical testing. Allele origin: germline.
Comment: This sequence change replaces glutamine, which is neutral and polar, with arginine, which is basic and polar, at codon 16 of the INPP5E protein (p.Gln16Arg). This variant is not present in population databases (gnomAD no frequency). This variant has not been reported in the literature in individuals affected with INPP5E-related conditions. ClinVar contains an entry for this variant (Variation ID: 970275). Advanced modeling of protein sequence and biophysical properties (such as structural, functional, and spatial information, amino acid conservation, physicochemical variation, residue mobility, and thermodynamic stability) performed at Invitae indicates that this missense variant is not expected to disrupt INPP5E protein function with a negative predictive value of 95%. In summary, the available evidence is currently insufficient to determine the role of this variant in disease. Therefore, it has been classified as a Variant of Uncertain Significance.

NM_019892.6(INPP5E):c.47A>G (p.Gln16Arg)

Gene: INPP5E (inositol polyphosphate-5-phosphatase E; minus strand). Cytogenetic location: 9q34.3.
Variant type: single nucleotide variant.
Coding change: c.47A>G on transcript NM_019892.6 (MANE Select); coding-DNA position 47, A replaced by G.
Protein change: p.Gln16Arg; replaces glutamine 16 with arginine.
Molecular consequence: missense variant.
Genome position (GRCh38, 1-based): chr9:136,439,373, T>C on the plus strand (A>G on the coding strand, the complement: INPP5E is on the minus strand). VCF-style: chr9-136439373-T-C. GRCh37 (hg19) VCF-style: chr9-139333825-T-C.
Other names: c.47A>G, p.Gln16Arg (NM_001318502.2); short protein forms Q16R.
Identifiers: ClinVar variation 970275 (VCV000970275.10), dbSNP rs1835934684, ClinGen allele CA375571857.